The following is an entry in ClinVar:

NM_032043.3(BRIP1):c.2561G>T (p.Ser854Ile)

Gene: BRIP1 (BRCA1 interacting DNA helicase 1; minus strand). Cytogenetic location: 17q23.2.
Variant type: single nucleotide variant.
Coding change: c.2561G>T on transcript NM_032043.3 (MANE Select); coding-DNA position 2561, G replaced by T.
Protein change: p.Ser854Ile; replaces serine 854 with isoleucine.
Molecular consequence: missense variant.
Genome position (GRCh38, 1-based): chr17:61,693,444, C>A on the plus strand (G>T on the coding strand, the complement: BRIP1 is on the minus strand). VCF-style: chr17-61693444-C-A. GRCh37 (hg19) VCF-style: chr17-59770805-C-A.
Other names: short protein forms S854I.
Identifiers: ClinVar variation 1471591 (VCV001471591.7), dbSNP rs2061477133, ClinGen allele CA400482357.
Genomic context (GRCh38, chr17:61,693,444, plus strand): 5'-TGAAGATTGTTACTAGTTTTTACTCTAAGCCCAGCTGAGATCTTACCAGATATATAGCGA[C>A]TTGGGTTATTCCTAAAGCGATCATCCACTAGAATAAGAGCTCCCCAATCATTTCTGTGTC-3'
Protein context (NP_114432.2, residues 844-864): LVDDRFRNNP[Ser854Ile]RYISGLSKWV

ClinVar aggregate classification (germline): Uncertain significance (1 of 4 stars; one submission).

Conditions:
Familial cancer of breast. Also called: Hereditary breast cancer; BREAST CANCER, FAMILIAL; hereditary breast carcinoma. Identifiers: Orphanet 227535, MedGen C0346153, MONDO:0016419, OMIM 114480. Disease mechanism: loss of function.
Fanconi anemia complementation group J. Also called: BRIP1-Related Fanconi Anemia. Identifiers: Orphanet 84, MedGen C1836860, MONDO:0012187, OMIM 609054.

gnomAD v4.1: 1 of 1,613,262 alleles (0.000062%); highest among the groups gnomAD compares: African/African-American, 0.0013%; no homozygotes.

Submission:

Labcorp Genetics (formerly Invitae), Labcorp
Classification: Uncertain significance for Familial cancer of breast; Fanconi anemia complementation group J. Last evaluated: 2021-10-02. Review status: criteria provided, single submitter. Criteria: Invitae Variant Classification Sherloc (09022015). Collection method: clinical testing. Allele origin: germline.
Comment: In summary, the available evidence is currently insufficient to determine the role of this variant in disease. Therefore, it has been classified as a Variant of Uncertain Significance. Algorithms developed to predict the effect of missense changes on protein structure and function are either unavailable or do not agree on the potential impact of this missense change (SIFT: "Deleterious"; PolyPhen-2: "Benign"; Align-GVGD: "Class C0"). This variant has not been reported in the literature in individuals affected with BRIP1-related conditions. This variant is not present in population databases (ExAC no frequency). This sequence change replaces serine with isoleucine at codon 854 of the BRIP1 protein (p.Ser854Ile). The serine residue is weakly conserved and there is a large physicochemical difference between serine and isoleucine.